The following is an entry in ClinVar:

ClinVar aggregate classification (germline): Uncertain significance (1 of 4 stars; one submission).

Allele frequency attached by ClinVar (database versions not stated): gnomAD exomes below 0.00001.
gnomAD v4.1: 2 of 1,552,626 alleles (0.00013%); highest among the groups gnomAD compares: Non-Finnish European, 0.00017%; no homozygotes.

Submission:

CeGaT Center for Human Genetics Tuebingen
Classification: Uncertain significance. Last evaluated: 2023-07-01. Review status: criteria provided, single submitter. Criteria: CeGaT Center For Human Genetics Tuebingen Variant Classification Criteria Version 2. Collection method: clinical testing. Allele origin: germline. Affected: yes. Observed: 1 variant allele.
Comment: CHCHD10: PM2, BP4

NM_213720.3(CHCHD10):c.287C>A (p.Pro96His)

Gene: CHCHD10 (coiled-coil-helix-coiled-coil-helix domain containing 10; minus strand). Cytogenetic location: 22q11.23.
Variant type: single nucleotide variant.
Coding change: c.287C>A on transcript NM_213720.3 (MANE Select); coding-DNA position 287, C replaced by A.
Protein change: p.Pro96His; replaces proline 96 with histidine.
Molecular consequence: missense variant. On other transcripts: non-coding transcript variant (2).
Genome position (GRCh38, 1-based): chr22:23,766,250, G>T on the plus strand (C>A on the coding strand, the complement: CHCHD10 is on the minus strand). VCF-style: chr22-23766250-G-T. GRCh37 (hg19) VCF-style: chr22-24108437-G-T.
Other names: c.308C>A, p.Pro103His (NM_001301339.2); short protein forms P103H, P96H.
Identifiers: ClinVar variation 2578919 (VCV002578919.25), dbSNP rs1348340557, ClinGen allele CA410915086.
Genomic context (GRCh38, chr22:23,766,250, plus strand): 5'-TGAGTGGTGGAACAGTCCAGGAACTGCCTGATCTCGTAGGCGCAGGGCCCCATCTGCAGG[G>T]GCTGGGGGGCAGCGGGGGTGGGGGCCTGGGGGTACAGTGCAAGAGGCTGCAGGATCAGCT-3'
Protein context (NP_998885.1, residues 86-106): QQAPTPAAPQ[Pro96His]LQMGPCAYEI